The following is an entry in ClinVar:

ClinVar aggregate classification (germline): Pathogenic (1 of 4 stars; one submission).

Conditions:
Osteogenesis imperfecta type I (OI1). Also called: OI, TYPE I; OSTEOGENESIS IMPERFECTA TARDA; OSTEOGENESIS IMPERFECTA WITH BLUE SCLERAE; Osteogenesis imperfecta type 1; Lobstein disease; Lobstein's Disease. Identifiers: Orphanet 216796, Orphanet 666, MedGen C0023931, MONDO:0008146, OMIM 166200. Disease mechanism: loss of function.

Submission:

Labcorp Genetics (formerly Invitae), Labcorp
Classification: Pathogenic for Osteogenesis imperfecta type I. Last evaluated: 2022-02-11. Review status: criteria provided, single submitter. Criteria: Invitae Variant Classification Sherloc (09022015). Collection method: clinical testing. Allele origin: germline.
Comment: This sequence change affects a donor splice site in intron 49 of the COL1A1 gene. It is expected to disrupt RNA splicing. Variants that disrupt the donor or acceptor splice site typically lead to a loss of protein function (PMID: 16199547), and loss-of-function variants in COL1A1 are known to be pathogenic (PMID: 7942841, 9295084, 9443882). This variant is not present in population databases (gnomAD no frequency). For these reasons, this variant has been classified as Pathogenic. Algorithms developed to predict the effect of sequence changes on RNA splicing suggest that this variant may disrupt the consensus splice site. Disruption of this splice site has been observed in individual(s) with osteogenesis imperfecta (PMID: 25963598).

Literature cited by the submitters: PubMed 16199547; PubMed 7942841; PubMed 9295084; PubMed 9443882; PubMed 25963598.

NM_000088.4(COL1A1):c.4005+1G>C

Gene: COL1A1 (collagen type I alpha 1 chain; minus strand). Cytogenetic location: 17q21.33.
Variant type: single nucleotide variant.
Coding change: c.4005+1G>C on transcript NM_000088.4 (MANE Select); the canonical splice donor site of the intron after coding-DNA position 4005, G replaced by C.
Molecular consequence: splice donor variant.
Genome position (GRCh38, 1-based): chr17:50,186,316, C>G on the plus strand (G>C on the coding strand, the complement: COL1A1 is on the minus strand). VCF-style: chr17-50186316-C-G. GRCh37 (hg19) VCF-style: chr17-48263677-C-G.
Identifiers: ClinVar variation 2138067 (VCV002138067.4), dbSNP rs113984451, ClinGen allele CA291542842.